The following is an entry in ClinVar:

ClinVar aggregate classification (germline): Uncertain significance (1 of 4 stars; one submission).

Submission:

Women's Health and Genetics/Laboratory Corporation of America, LabCorp
Classification: Uncertain significance. Last evaluated: 2025-02-26. Review status: criteria provided, single submitter. Criteria: LabCorp Variant Classification Summary - May 2015. Collection method: clinical testing. Allele origin: germline.
Comment: Variant summary: The variant involves the duplication of exon 1 in the RRM1 gene. A presumed nomenclature of c.(?_-215)_(19+1_20-1)dup has been designated for the purposes of this classification. It is assumed to be a tandem duplication in direct orientation (PMIDs: 25640679, 30054569). The exact breakpoint at the 5' end of this variant is unknown, therefore this duplication may extend upstream of the annotated region of this gene. It is predicted to duplicate a segment including the initiation codon, therefore its impact on the encoded protein is unknown. A duplication variant (size: 7,885 bp) which covers exon 1 of the RRM1 gene (and extends upstream, also including the last exon of the STIM1 gene) was found at a frequency of 5.7e-05 in 123604 control chromosomes, predominantly at a frequency of 0.0014 within the South Asian subpopulation in the gnomAD database (Structural Variants v4.1 dataset), including 1 homozygote. The available data on variant occurrences in the general population are insufficient to allow any conclusion about variant significance. A similar duplication (reported as RRM1/STIM1 8.1kb dup) was found in a heterozygous patient with autism spectrum disorder (Yuen_2015), however no supportive evidence for causality was provided. This report does not provide unequivocal conclusions about association of the variant with Progressive External Ophthalmoplegia With Mitochondrial DNA Deletions, Autosomal Recessive 6. To our knowledge, no experimental evidence demonstrating an impact on protein function has been reported. No submitters have cited clinical-significance assessments for this variant to ClinVar. Based on the evidence outlined above, the variant was classified as uncertain significance.

Literature cited by the submitters: PubMed 25621899.

NC_000011.9:g.(?_4116028)_(4116262_4123222)dup

Gene: RRM1 (ribonucleotide reductase catalytic subunit M1; plus strand). Cytogenetic location: 11p15.4.
Variant type: Duplication.
Identifiers: ClinVar variation 3769066 (VCV003769066.1).